The following is an entry in ClinVar:

NM_001277115.2(DNAH11):c.11068G>A (p.Glu3690Lys)

Gene: DNAH11 (dynein axonemal heavy chain 11; plus strand). Cytogenetic location: 7p15.3.
Variant type: single nucleotide variant.
Coding change: c.11068G>A on transcript NM_001277115.2 (MANE Select); coding-DNA position 11068, G replaced by A.
Protein change: p.Glu3690Lys; replaces glutamic acid 3690 with lysine.
Molecular consequence: missense variant.
Genome position (GRCh38, 1-based): chr7:21,854,321, G>A. VCF-style: chr7-21854321-G-A. GRCh37 (hg19) VCF-style: chr7-21893939-G-A.
Other names: short protein forms E3690K.
Identifiers: ClinVar variation 3840819 (VCV003840819.1).

ClinVar aggregate classification (germline): Uncertain significance (1 of 4 stars; one submission).

Conditions:
Primary ciliary dyskinesia. Also called: Ciliary dyskinesia. Identifiers: Orphanet 244, MedGen C0008780, MONDO:0016575, HP:0012265.

gnomAD v4.1: 6 of 1,613,588 alleles (0.00037%); highest among the groups gnomAD compares: Non-Finnish European, 0.00042%; no homozygotes.

Submission:

Ambry Genetics
Classification: Uncertain significance for Primary ciliary dyskinesia. Last evaluated: 2025-02-06. Review status: criteria provided, single submitter. Criteria: Ambry Variant Classification Scheme 2023. Collection method: clinical testing. Allele origin: germline.
Comment: The p.E3690K variant (also known as c.11068G>A), located in coding exon 68 of the DNAH11 gene, results from a G to A substitution at nucleotide position 11068. The glutamic acid at codon 3690 is replaced by lysine, an amino acid with similar properties. This amino acid position is conserved. In addition, the in silico prediction for this alteration is inconclusive. Based on the available evidence, the clinical significance of this variant remains unclear.